The following is an entry in ClinVar:

NM_001211.6(BUB1B):c.1871A>G (p.Glu624Gly)

Gene: BUB1B (BUB1 mitotic checkpoint serine/threonine kinase B; plus strand). Cytogenetic location: 15q15.1.
Variant type: single nucleotide variant.
Coding change: c.1871A>G on transcript NM_001211.6 (MANE Select); coding-DNA position 1871, A replaced by G.
Protein change: p.Glu624Gly; replaces glutamic acid 624 with glycine.
Molecular consequence: missense variant.
Genome position (GRCh38, 1-based): chr15:40,206,320, A>G. VCF-style: chr15-40206320-A-G. GRCh37 (hg19) VCF-style: chr15-40498521-A-G.
Other names: short protein forms E624G.
Identifiers: ClinVar variation 3483158 (VCV003483158.1).

ClinVar aggregate classification (germline): Uncertain significance (1 of 4 stars; one submission).

Conditions:
Inborn genetic diseases. Identifiers: MedGen C0950123, MeSH D030342.

gnomAD v4.1: 1 of 1,614,164 alleles (0.000062%); highest among the groups gnomAD compares: Non-Finnish European, 0.000085%; no homozygotes.

Submission:

Ambry Genetics
Classification: Uncertain significance for Inborn genetic diseases. Last evaluated: 2024-07-28. Review status: criteria provided, single submitter. Criteria: Ambry Variant Classification Scheme 2023. Collection method: clinical testing. Allele origin: germline.
Comment: The p.E624G variant (also known as c.1871A>G), located in coding exon 15 of the BUB1B gene, results from an A to G substitution at nucleotide position 1871. The glutamic acid at codon 624 is replaced by glycine, an amino acid with similar properties. This amino acid position is conserved. In addition, this alteration is predicted to be tolerated by in silico analysis. Based on the available evidence, the clinical significance of this variant remains unclear.